The following is an entry in ClinVar:

ClinVar aggregate classification (germline): Uncertain significance. Review status: criteria provided, multiple submitters, no conflicts (2 of 4 stars). 3 submissions from 3 submitters: Uncertain significance (3). Last evaluated 2023-06-15.

Conditions:
Cardiac arrhythmia. Also called: Arrhythmia; Cardiac rhythm disease. Identifiers: MedGen C0003811, MONDO:0007263, HP:0011675.
Long QT syndrome 2 (LQT2). Identifiers: Orphanet 101016, Orphanet 768, MedGen C3150943, MONDO:0013367, OMIM 613688.
Short QT syndrome type 1. Identifiers: Orphanet 51083, MedGen C1865020, MONDO:0012312, OMIM 609620.
Long QT syndrome (LQTS). Identifiers: MedGen C0023976, MeSH D008133, MONDO:0002442. Disease mechanism: loss of function. Inheritance: Various modes of inheritance.

Allele frequency attached by ClinVar (database versions not stated): ExAC 0.00001; gnomAD exomes 0.00001 and 0.00002.
gnomAD v4.1: 7 of 1,611,884 alleles (0.00043%); highest among the groups gnomAD compares: East Asian, 0.016%; no homozygotes.

Submissions (3):

All of Us Research Program, National Institutes of Health
Classification: Uncertain significance for Long QT syndrome. Last evaluated: 2023-06-15. Review status: criteria provided, single submitter. Criteria: ACMG Guidelines, 2015. Collection method: clinical testing. Allele origin: germline. Inheritance: Autosomal dominant inheritance. Observed: 1 variant allele, 1 heterozygote.
Comment: Variant of Uncertain Significance due to insufficient evidence: This variant is a missense variant located in the cytoplasmic domain of the KCNH2 protein. Computational prediction tools and conservation analyses are inconclusive regarding the impact of this variant on the protein function. Computational splicing tools suggest that this variant may not impact the RNA splicing. To our knowledge, functional assays have not been performed for this variant nor has the variant been reported in individuals affected with cardiovascular disease in the literature. This variant is rare in the general population and has been identified in 5/240212 chromosomes by the Genome Aggregation Database (gnomAD). Available evidence is insufficient to determine the pathogenicity of this variant conclusively.

This study involves interpretation of variants in research participants for the purpose of population health screening. Participant phenotype was not available at the time of variant classification. Additional details can be found in publication PMID: 35346344, PMCID: PMC8962531

Fulgent Genetics
Classification: Uncertain significance for Short QT syndrome type 1; Long QT syndrome 2. Last evaluated: 2021-08-20. Review status: criteria provided, single submitter. Criteria: ACMG Guidelines, 2015. Collection method: clinical testing. Allele origin: unknown.

Color Diagnostics, LLC DBA Color Health
Classification: Uncertain significance for Cardiac arrhythmia. Last evaluated: 2019-08-08. Review status: criteria provided, single submitter. Criteria: ACMG Guidelines, 2015. Collection method: clinical testing. Allele origin: germline.
Comment: Variant of Uncertain Significance due to insufficient evidence: This variant is a missense variant located in the cytoplasmic domain of the KCNH2 protein. Computational prediction tools and conservation analyses are inconclusive regarding the impact of this variant on the protein function. Computational splicing tools suggest that this variant may not impact the RNA splicing. To our knowledge, functional assays have not been performed for this variant nor has the variant been reported in individuals affected with cardiovascular disease in the literature. This variant is rare in the general population and has been identified in 5/240212 chromosomes by the Genome Aggregation Database (gnomAD). Available evidence is insufficient to determine the pathogenicity of this variant conclusively.

NM_000238.4(KCNH2):c.1071G>T (p.Glu357Asp)

Gene: KCNH2 (potassium voltage-gated channel subfamily H member 2; minus strand). Cytogenetic location: 7q36.1.
Variant type: single nucleotide variant.
Coding change: c.1071G>T on transcript NM_000238.4 (MANE Select); coding-DNA position 1071, G replaced by T.
Protein change: p.Glu357Asp; replaces glutamic acid 357 with aspartic acid.
Molecular consequence: missense variant.
Genome position (GRCh38, 1-based): chr7:150,957,348, C>A on the plus strand (G>T on the coding strand, the complement: KCNH2 is on the minus strand). VCF-style: chr7-150957348-C-A. GRCh37 (hg19) VCF-style: chr7-150654436-C-A.
Other names: c.783G>T, p.Glu261Asp (NM_001406753.1, NM_001406756.1); c.894G>T, p.Glu298Asp (NM_001406755.1); c.771G>T, p.Glu257Asp (NM_001406757.1); c.1071G>T, p.Glu357Asp (NM_172056.3); short protein forms E357D, E257D, E261D, E298D.
Identifiers: ClinVar variation 628850 (VCV000628850.9), dbSNP rs762016259, ClinGen allele CA026789.